The following is an entry in ClinVar:

NC_000014.8:g.(?_88431972)_(88439445_?)del

Gene: GALC (galactosylceramidase; minus strand). Cytogenetic location: 14q31.3.
Variant type: Deletion.
Identifiers: ClinVar variation 3243949 (VCV003243949.1).

ClinVar aggregate classification (germline): Pathogenic (1 of 4 stars; one submission).

Conditions:
Galactosylceramide beta-galactosidase deficiency. Also called: GALACTOCEREBROSIDASE DEFICIENCY; GALC DEFICIENCY; GLOBOID CELL LEUKOENCEPHALOPATHY; Leukodystrophy, Globoid Cell; Krabbe Disease. Identifiers: Orphanet 487, MedGen C0023521, MONDO:0009499, OMIM 245200.

Submission:

Labcorp Genetics (formerly Invitae), Labcorp
Classification: Pathogenic for Galactosylceramide beta-galactosidase deficiency. Last evaluated: 2023-10-24. Review status: criteria provided, single submitter. Criteria: Invitae Variant Classification Sherloc (09022015). Collection method: clinical testing. Allele origin: unknown.
Comment: This variant results in the deletion of exon 8 and part of exon 9 (c.752+3257_910del) of the GALC gene. It is expected to disrupt RNA splicing. Variants that disrupt the donor or acceptor splice site typically lead to a loss of protein function (PMID: 16199547), and loss-of-function variants in GALC are known to be pathogenic (PMID: 7437911, 9272171, 16607461). This variant has not been reported in the literature in individuals affected with GALC-related conditions. This variant disrupts a region of the GALC protein in which other variant(s) (deletion of exon 8) have been determined to be pathogenic (PMID: 22704718, 26795590). This suggests that this is a clinically significant region of the protein, and that variants that disrupt it are likely to be disease-causing. For these reasons, this variant has been classified as Pathogenic.

Literature cited by the submitters: PubMed 16199547; PubMed 7437911; PubMed 9272171; PubMed 16607461; PubMed 22704718; PubMed 26795590.